The following is an entry in ClinVar:

ClinVar aggregate classification (germline): Benign/Likely benign. Review status: criteria provided, multiple submitters, no conflicts (2 of 4 stars). 3 submissions from 3 submitters: Benign (1); Likely benign (2). Last evaluated 2026-06-01.

Allele frequency attached by ClinVar (database versions not stated): ExAC 0.00059; gnomAD exomes 0.00062; gnomAD 0.00095 and 0.00104; 1000 Genomes Project 30x 0.00499.

Submissions (3):

CeGaT Center for Human Genetics Tuebingen
Classification: Likely benign. Last evaluated: 2026-06-01. Review status: criteria provided, single submitter. Criteria: CeGaT Center For Human Genetics Tuebingen Variant Classification Criteria Version 2. Collection method: clinical testing. Allele origin: germline. Affected: yes. Observed: 6 variant alleles.
Comment: MAGEA3: PM2:Supporting, BP4, BP7

Laboratory of Genetics, Children's Clinical University Hospital Latvia
Classification: Likely benign. Last evaluated: 2025-02-16. Review status: criteria provided, single submitter. Criteria: ACMG Guidelines, 2015. Collection method: clinical testing. Allele origin: germline. Affected: yes.

Labcorp Genetics (formerly Invitae), Labcorp
Classification: Benign. Last evaluated: 2018-01-22. Review status: criteria provided, single submitter. Criteria: Invitae Variant Classification Sherloc (09022015). Collection method: clinical testing. Allele origin: germline.

NM_005362.4(MAGEA3):c.309C>T (p.Ser103=)

Gene: MAGEA3 (MAGE family member A3). Cytogenetic location: Xq28.
Variant type: single nucleotide variant.
Coding change: c.309C>T on transcript NM_005362.4 (MANE Select); coding-DNA position 309, C replaced by T.
Protein change: p.Ser103=; no amino-acid change (serine 103 retained).
Molecular consequence: synonymous variant.
Genome position (GRCh38, 1-based): chrX:152,701,141, C>T. VCF-style: chrX-152701141-C-T. GRCh37 (hg19) VCF-style: chrX-151869619-T-T.
Identifiers: ClinVar variation 731289 (VCV000731289.11), dbSNP rs1179127435, ClinGen allele CA10544524.